The following is an entry in ClinVar:

NC_000021.8:g.(?_45705880)_(45707026_?)del

Gene: AIRE (autoimmune regulator; plus strand). Cytogenetic location: 21q22.3.
Variant type: Deletion.
Identifiers: ClinVar variation 1069340 (VCV001069340.5).

ClinVar aggregate classification (germline): Pathogenic (1 of 4 stars; one submission).

Conditions:
Polyglandular autoimmune syndrome, type 1 (APS1). Also called: HYPOADRENOCORTICISM WITH HYPOPARATHYROIDISM AND SUPERFICIAL MONILIASIS; PGA I; Whitaker syndrome; AUTOIMMUNE POLYENDOCRINE SYNDROME, TYPE I, WITH OR WITHOUT REVERSIBLE METAPHYSEAL DYSPLASIA; Autoimmune polyendocrine syndrome type 1; APS I. Identifiers: Orphanet 3453, MedGen C0085859, MONDO:0009411, OMIM 240300.

Submission:

Labcorp Genetics (formerly Invitae), Labcorp
Classification: Pathogenic for Polyglandular autoimmune syndrome, type 1. Last evaluated: 2020-02-06. Review status: criteria provided, single submitter. Criteria: Invitae Variant Classification Sherloc (09022015). Collection method: clinical testing. Allele origin: germline.
Comment: For these reasons, this variant has been classified as Pathogenic. Loss-of-function variants in AIRE are known to be pathogenic (PMID: 11524731, 26141571). This variant has not been reported in the literature in individuals with AIRE-related conditions. This variant is a gross deletion of the genomic region encompassing exons 1 to 3 of the AIRE gene, which includes the initiator codon. The 5' end of this event is unknown as it extends beyond the assayed region for this gene and therefore may encompass additional genes. The 3' boundary is likely confined to intron 3 of the AIRE gene. This is expected to result in an absent or disrupted protein product.

Literature cited by the submitters: PubMed 11524731; PubMed 26141571.